The following is an entry in ClinVar:

ClinVar aggregate classification (germline): Uncertain significance (1 of 4 stars; one submission).

Conditions:
Hereditary cancer-predisposing syndrome. Also called: Hereditary neoplastic syndrome; Neoplastic Syndromes, Hereditary; Tumor predisposition; Hereditary Cancer Syndrome. Identifiers: Orphanet 140162, MedGen C0027672, MeSH D009386, MONDO:0015356.

Submission:

Ambry Genetics
Classification: Uncertain significance for Hereditary cancer-predisposing syndrome. Last evaluated: 2025-09-12. Review status: criteria provided, single submitter. Criteria: Ambry Variant Classification Scheme 2023. Collection method: clinical testing. Allele origin: germline.
Comment: The c.1574+3A>T intronic variant results from an A to T substitution 3 nucleotides after coding exon 14 in the NF2 gene. This nucleotide position is not well conserved in available vertebrate species. In silico splice site analysis predicts that this alteration may weaken the native splice donor site. Based on the available evidence, the clinical significance of this variant remains unclear.

NM_000268.4(NF2):c.1574+3A>T

Gene: NF2 (NF2, moesin-ezrin-radixin like (MERLIN) tumor suppressor; plus strand). Cytogenetic location: 22q12.2.
Variant type: single nucleotide variant.
Coding change: c.1574+3A>T on transcript NM_000268.4 (MANE Select); 3 bases into the intron after coding-DNA position 1574, A replaced by T.
Molecular consequence: intron variant.
Genome position (GRCh38, 1-based): chr22:29,678,326, A>T. VCF-style: chr22-29678326-A-T. GRCh37 (hg19) VCF-style: chr22-30074315-A-T.
Other names: c.1574+3A>T (NM_016418.5, NM_181832.3, NM_001407060.1 and 2 more transcripts); c.1460+3A>T (NM_001407056.1, NM_001407053.1); c.1343+3A>T (NM_001407067.1); c.1040+3A>T (NM_001407065.1); c.1439+3A>T (NM_001407059.1, NM_001407057.1); c.448-16426A>T (NM_181833.3); c.1451+3A>T (NM_001407058.1, NM_181829.3, NM_001407054.1); c.1316+3A>T (NM_001407062.1); and 2 more.
Identifiers: ClinVar variation 4119228 (VCV004119228.1).